The following is an entry in ClinVar:

NM_203447.4(DOCK8):c.2281G>C (p.Asp761His)

Gene: DOCK8 (dedicator of cytokinesis 8; plus strand). Cytogenetic location: 9p24.3.
Variant type: single nucleotide variant.
Coding change: c.2281G>C on transcript NM_203447.4 (MANE Select); coding-DNA position 2281, G replaced by C.
Protein change: p.Asp761His; replaces aspartic acid 761 with histidine.
Molecular consequence: missense variant.
Genome position (GRCh38, 1-based): chr9:377,052, G>C. VCF-style: chr9-377052-G-C. GRCh37 (hg19) VCF-style: chr9-377052-G-C.
Other names: c.2077G>C, p.Asp693His (NM_001190458.2, NM_001193536.2); short protein forms D693H, D761H.
Identifiers: ClinVar variation 1424138 (VCV001424138.8), dbSNP rs1242916219, ClinGen allele CA372763172.

ClinVar aggregate classification (germline): Uncertain significance (1 of 4 stars; one submission).

Conditions:
Combined immunodeficiency due to DOCK8 deficiency (HIES2). Also called: DOCK8 Deficiency; HIES autosomal recessive; Hyper-IgE recurrent infection syndrome, autosomal recessive; HYPER-IgE RECURRENT INFECTION SYNDROME 2, AUTOSOMAL RECESSIVE; HYPER-IgE SYNDROME 2, AUTOSOMAL RECESSIVE, WITH RECURRENT INFECTIONS. Identifiers: Orphanet 217390, MedGen C4722305, MONDO:0009478, OMIM 243700.

Allele frequency attached by ClinVar (database versions not stated): TOPMed below 0.00001; gnomAD 0.00001; gnomAD exomes 0.00001 and 0.00003.
gnomAD v4.1: 39 of 1,613,712 alleles (0.0024%); highest among the groups gnomAD compares: Non-Finnish European, 0.0031%; no homozygotes.

Submission:

Labcorp Genetics (formerly Invitae), Labcorp
Classification: Uncertain significance for Combined immunodeficiency due to DOCK8 deficiency. Last evaluated: 2024-01-29. Review status: criteria provided, single submitter. Criteria: Invitae Variant Classification Sherloc (09022015). Collection method: clinical testing. Allele origin: germline.
Comment: This sequence change replaces aspartic acid, which is acidic and polar, with histidine, which is basic and polar, at codon 761 of the DOCK8 protein (p.Asp761His). This variant is present in population databases (no rsID available, gnomAD 0.002%). This variant has not been reported in the literature in individuals affected with DOCK8-related conditions. ClinVar contains an entry for this variant (Variation ID: 1424138). Advanced modeling of protein sequence and biophysical properties (such as structural, functional, and spatial information, amino acid conservation, physicochemical variation, residue mobility, and thermodynamic stability) has been performed at Invitae for this missense variant, however the output from this modeling did not meet the statistical confidence thresholds required to predict the impact of this variant on DOCK8 protein function. In summary, the available evidence is currently insufficient to determine the role of this variant in disease. Therefore, it has been classified as a Variant of Uncertain Significance.